The following is an entry in ClinVar:

NM_004519.4(KCNQ3):c.2569G>C (p.Gly857Arg)

Gene: KCNQ3 (potassium voltage-gated channel subfamily Q member 3; minus strand). Cytogenetic location: 8q24.22.
Variant type: single nucleotide variant.
Coding change: c.2569G>C on transcript NM_004519.4 (MANE Select); coding-DNA position 2569, G replaced by C.
Protein change: p.Gly857Arg; replaces glycine 857 with arginine.
Molecular consequence: missense variant.
Genome position (GRCh38, 1-based): chr8:132,129,312, C>G on the plus strand (G>C on the coding strand, the complement: KCNQ3 is on the minus strand). VCF-style: chr8-132129312-C-G. GRCh37 (hg19) VCF-style: chr8-133141559-C-G.
Other names: c.2209G>C, p.Gly737Arg (NM_001204824.2); short protein forms G737R, G857R.
Identifiers: ClinVar variation 3373325 (VCV003373325.1).

ClinVar aggregate classification (germline): Uncertain significance (1 of 4 stars; one submission).

gnomAD v4.1: 2 of 1,614,076 alleles (0.00012%); highest among the groups gnomAD compares: Non-Finnish European, 0.00017%; no homozygotes.

Submission:

GeneDx
Classification: Uncertain significance. Last evaluated: 2024-04-30. Review status: criteria provided, single submitter. Criteria: GeneDx Variant Classification Process June 2021. Collection method: clinical testing. Allele origin: germline. Affected: yes.
Comment: Not observed at significant frequency in large population cohorts (gnomAD); In silico analysis indicates that this missense variant does not alter protein structure/function; Has not been previously published as pathogenic or benign to our knowledge